The following is an entry in ClinVar:

ClinVar aggregate classification (germline): Uncertain significance (1 of 4 stars; one submission).

Conditions:
Hereditary cancer-predisposing syndrome. Also called: Neoplastic Syndromes, Hereditary; Tumor predisposition; Hereditary Cancer Syndrome; Hereditary neoplastic syndrome. Identifiers: Orphanet 140162, MedGen C0027672, MeSH D009386, MONDO:0015356.

Submission:

Ambry Genetics
Classification: Uncertain significance for Hereditary cancer-predisposing syndrome. Last evaluated: 2026-03-06. Review status: criteria provided, single submitter. Criteria: Ambry Variant Classification Scheme 2023. Collection method: clinical testing. Allele origin: germline.
Comment: The p.R91P variant (also known as c.272G>C), located in coding exon 1 of the GREM1 gene, results from a G to C substitution at nucleotide position 272. The arginine at codon 91 is replaced by proline, an amino acid with dissimilar properties. This amino acid position is conserved. In addition, the in silico prediction for this alteration is inconclusive. Based on the available evidence, the clinical significance of this variant remains unclear.

NM_013372.7(GREM1):c.272G>C (p.Arg91Pro)

Gene: GREM1 (gremlin 1, DAN family BMP antagonist; plus strand). Cytogenetic location: 15q13.3.
Variant type: single nucleotide variant.
Coding change: c.272G>C on transcript NM_013372.7 (MANE Select); coding-DNA position 272, G replaced by C.
Protein change: p.Arg91Pro; replaces arginine 91 with proline.
Molecular consequence: missense variant.
Genome position (GRCh38, 1-based): chr15:32,730,962, G>C. VCF-style: chr15-32730962-G-C. GRCh37 (hg19) VCF-style: chr15-33023163-G-C.
Other names: c.62G>C, p.Arg21Pro (NM_001191322.2); c.149G>C, p.Arg50Pro (NM_001191323.2); c.272G>C, p.Arg91Pro (NM_001368719.1); short protein forms R91P, R21P, R50P.
Identifiers: ClinVar variation 4827162 (VCV004827162.1).